The following is an entry in ClinVar:

NM_005431.2(XRCC2):c.803del (p.His268fs)

Gene: XRCC2 (X-ray repair cross complementing 2; minus strand). Cytogenetic location: 7q36.1.
Variant type: Deletion.
Coding change: c.803del on transcript NM_005431.2 (MANE Select); coding-DNA position 803, one base deleted (A; older notation c.803delA).
Protein change: p.His268fs; shifts the reading frame from histidine 268.
Molecular consequence: frameshift variant.
Genome position (GRCh38, 1-based): chr7:152,648,682, T deleted on the plus strand (A on the coding strand, the reverse complement: XRCC2 is on the minus strand). VCF-style (leftmost placement, unchanged base first): chr7-152648681-AT-A. GRCh37 (hg19) VCF-style: chr7-152345766-AT-A.
Other names: short protein forms H268fs.
Identifiers: ClinVar variation 422262 (VCV000422262.12), dbSNP rs776336749, ClinGen allele CA4582291.

ClinVar aggregate classification (germline): Uncertain significance. Review status: criteria provided, multiple submitters, no conflicts (2 of 4 stars). 3 submissions from 3 submitters: Uncertain significance (3). Last evaluated 2023-07-25.

Conditions:
Hereditary cancer-predisposing syndrome. Also called: Hereditary neoplastic syndrome; Neoplastic Syndromes, Hereditary; Tumor predisposition; Hereditary Cancer Syndrome. Identifiers: Orphanet 140162, MedGen C0027672, MeSH D009386, MONDO:0015356.

Allele frequency attached by ClinVar (database versions not stated): ExAC 0.00001; gnomAD 0.00001; gnomAD exomes 0.00001; 1000 Genomes Project 30x 0.00016.

Submissions (3):

Ambry Genetics
Classification: Uncertain significance for Hereditary cancer-predisposing syndrome. Last evaluated: 2023-07-25. Review status: criteria provided, single submitter. Criteria: Ambry Variant Classification Scheme 2023. Collection method: clinical testing. Allele origin: germline.
Comment: The c.803delA variant, located in coding exon 3 of the XRCC2 gene, results from a deletion of one nucleotide at nucleotide position 803, causing a translational frameshift with a predicted alternate stop codon (p.H268Lfs*29). This alteration occurs at the 3' terminus of theXRCC2 gene, is not expected to trigger nonsense-mediated mRNAdecay and results in the elongation of the protein by 15 amino acids. This frameshift impacts the last 13 amino acids, 4.6%, of the native protein. The exact functional effect of the altered amino acids is unknown. This alteration has been identified in a patient with metastatic prostate cancer (Mijuskovic M et al. Br. J. Cancer, 2018 07;119:96-104). Since supporting evidence is limited at this time, the clinical significance of this alteration remains unclear.

Labcorp Genetics (formerly Invitae), Labcorp
Classification: Uncertain significance. Last evaluated: 2021-07-19. Review status: criteria provided, single submitter. Criteria: Invitae Variant Classification Sherloc (09022015). Collection method: clinical testing. Allele origin: germline.
Comment: This premature translational stop signal has been observed in individual(s) with prostate cancer (PMID: 29915322). In summary, the available evidence is currently insufficient to determine the role of this variant in disease. Therefore, it has been classified as a Variant of Uncertain Significance. Experimental studies and prediction algorithms are not available or were not evaluated, and the functional significance of this variant is currently unknown. ClinVar contains an entry for this variant (Variation ID: 422262). This variant is present in population databases (rs776336749, ExAC 0.01%). This sequence change creates a premature translational stop signal (p.His268Leufs*29) in the XRCC2 gene. While this is not anticipated to result in nonsense mediated decay, it is expected to disrupt the last 13 amino acid(s) of the XRCC2 protein.

GeneDx
Classification: Uncertain significance. Last evaluated: 2016-09-19. Review status: criteria provided, single submitter. Criteria: GeneDx Variant Classification (06012015). Collection method: clinical testing. Allele origin: germline. Affected: yes.
Comment: This deletion of one nucleotide in XRCC2 is denoted c.803delA at the cDNA level and p.His268LeufsX29 (H268LfsX29) at the protein level. The normal sequence, with the base that is deleted in braces, is AAAC[T]TTTTTTTA. The deletion causes a frameshift which changes a Histidine to a Leucine at codon 268, and replaces the last 13 amino acids with 28 incorrect amino acids. This variant has not, to our knowledge, been reported in the literature. Based on currently available information, it is unclear whether this deletion is a pathogenic variant or a benign variant. We consider it to be a variant of uncertain significance.

Literature cited by the submitters: PubMed 29915322 (cited by Ambry Genetics and Labcorp Genetics (formerly Invitae), Labcorp).